The following is an entry in ClinVar:

ClinVar aggregate classification (germline): Uncertain significance (1 of 4 stars; one submission).

gnomAD v4.1: 10 of 1,614,062 alleles (0.00062%); highest among the groups gnomAD compares: Admixed American, 0.005%; no homozygotes.

Submission:

Labcorp Genetics (formerly Invitae), Labcorp
Classification: Uncertain significance. Last evaluated: 2025-03-03. Review status: criteria provided, single submitter. Criteria: Invitae Variant Classification Sherloc (09022015). Collection method: clinical testing. Allele origin: germline.
Comment: This sequence change replaces alanine, which is neutral and non-polar, with serine, which is neutral and polar, at codon 1367 of the ATRN protein (p.Ala1367Ser). This variant is present in population databases (rs150056234, gnomAD 0.006%). This variant has not been reported in the literature in individuals affected with ATRN-related conditions. ClinVar contains an entry for this variant (Variation ID: 1523604). An algorithm developed to predict the effect of missense changes on protein structure and function (PolyPhen-2) suggests that this variant is likely to be disruptive. In summary, the available evidence is currently insufficient to determine the role of this variant in disease. Therefore, it has been classified as a Variant of Uncertain Significance.

NM_139321.3(ATRN):c.4099G>T (p.Ala1367Ser)

Gene: ATRN (attractin; plus strand). Cytogenetic location: 20p13.
Variant type: single nucleotide variant.
Coding change: c.4099G>T on transcript NM_139321.3 (MANE Select); coding-DNA position 4099, G replaced by T.
Protein change: p.Ala1367Ser; replaces alanine 1367 with serine.
Molecular consequence: missense variant.
Genome position (GRCh38, 1-based): chr20:3,644,202, G>T. VCF-style: chr20-3644202-G-T. GRCh37 (hg19) VCF-style: chr20-3624849-G-T.
Other names: short protein forms A1367S.
Identifiers: ClinVar variation 1523604 (VCV001523604.8), dbSNP rs150056234, ClinGen allele CA9744735.
Genomic context (GRCh38, chr20:3,644,202, plus strand): 5'-TTCTTCTGCCAGACTGTTCCCAAACCCATTGCACTGGAGCCGTGTTTTGGCAACAAAGCC[G>T]CTGTCCTCTCTGTGTTTGTGAGGCTCCCTCGAGGCCTGGGTGGCATCCCTCCTCCTGGGC-3'
Protein context (NP_647537.1, residues 1357-1377): ALEPCFGNKA[Ala1367Ser]VLSVFVRLPR